The following is an entry in ClinVar:

NM_004608.4(TBX6):c.719G>A (p.Arg240His)

Gene: TBX6 (T-box transcription factor 6; minus strand). Cytogenetic location: 16p11.2.
Variant type: single nucleotide variant.
Coding change: c.719G>A on transcript NM_004608.4 (MANE Select); coding-DNA position 719, G replaced by A.
Protein change: p.Arg240His; replaces arginine 240 with histidine.
Molecular consequence: missense variant.
Genome position (GRCh38, 1-based): chr16:30,088,742, C>T on the plus strand (G>A on the coding strand, the complement: TBX6 is on the minus strand). VCF-style: chr16-30088742-C-T. GRCh37 (hg19) VCF-style: chr16-30100063-C-T.
Other names: short protein forms R240H.
Identifiers: ClinVar variation 2186793 (VCV002186793.4), dbSNP rs779088713, ClinGen allele CA8001829.

ClinVar aggregate classification (germline): Uncertain significance (1 of 4 stars; one submission).

Allele frequency attached by ClinVar (database versions not stated): gnomAD 0.00002; TOPMed 0.00002; ExAC 0.00003.
gnomAD v4.1: 20 of 1,613,860 alleles (0.0012%); highest among the groups gnomAD compares: Middle Eastern, 0.016%; no homozygotes.

Submission:

Labcorp Genetics (formerly Invitae), Labcorp
Classification: Uncertain significance. Last evaluated: 2025-06-10. Review status: criteria provided, single submitter. Criteria: Invitae Variant Classification Sherloc (09022015). Collection method: clinical testing. Allele origin: germline.
Comment: This sequence change replaces arginine, which is basic and polar, with histidine, which is basic and polar, at codon 240 of the TBX6 protein (p.Arg240His). This variant is present in population databases (rs779088713, gnomAD 0.006%). This variant has not been reported in the literature in individuals affected with TBX6-related conditions. ClinVar contains an entry for this variant (Variation ID: 2186793). Invitae Evidence Modeling of protein sequence and biophysical properties (such as structural, functional, and spatial information, amino acid conservation, physicochemical variation, residue mobility, and thermodynamic stability) indicates that this missense variant is not expected to disrupt TBX6 protein function with a negative predictive value of 80%. In summary, the available evidence is currently insufficient to determine the role of this variant in disease. Therefore, it has been classified as a Variant of Uncertain Significance.